The following is an entry in ClinVar:

NM_001298.3(CNGA3):c.1413C>T (p.Asn471=)

Gene: CNGA3 (cyclic nucleotide gated channel subunit alpha 3; plus strand). Cytogenetic location: 2q11.2.
Variant type: single nucleotide variant.
Coding change: c.1413C>T on transcript NM_001298.3 (MANE Select); coding-DNA position 1413, C replaced by T.
Protein change: p.Asn471=; no amino-acid change (asparagine 471 retained).
Molecular consequence: synonymous variant.
Genome position (GRCh38, 1-based): chr2:98,396,583, C>T. VCF-style: chr2-98396583-C-T. GRCh37 (hg19) VCF-style: chr2-99013046-C-T.
Other names: c.1359C>T, p.Asn453= (NM_001079878.2); c.1413C>T (NM_001298.2).
Identifiers: ClinVar variation 1143660 (VCV001143660.19), dbSNP rs771835849, ClinGen allele CA1794002.

ClinVar aggregate classification (germline): Likely benign. Review status: criteria provided, multiple submitters, no conflicts (2 of 4 stars). 4 submissions from 4 submitters: Likely benign (3). 1 of the submissions does not count toward it. Last evaluated 2025-03-01.

Conditions:
CNGA3-related disorder. Also called: CNGA3-related condition.

Allele frequency attached by ClinVar (database versions not stated): gnomAD exomes 0.00001 and 0.00003; ExAC 0.00002; TOPMed 0.00002; gnomAD 0.00003; 1000 Genomes Project 30x 0.00031.
gnomAD v4.1: 59 of 1,613,962 alleles (0.0037%); highest among the groups gnomAD compares: Non-Finnish European, 0.0044%; no homozygotes.

Submissions (4):

CeGaT Center for Human Genetics Tuebingen
Classification: Likely benign. Last evaluated: 2025-03-01. Review status: criteria provided, single submitter. Criteria: CeGaT Center For Human Genetics Tuebingen Variant Classification Criteria Version 2. Collection method: clinical testing. Allele origin: germline. Affected: yes. Observed: 1 variant allele.
Comment: CNGA3: BP4, BP7

Labcorp Genetics (formerly Invitae), Labcorp
Classification: Likely benign. Last evaluated: 2023-07-03. Review status: criteria provided, single submitter. Criteria: Invitae Variant Classification Sherloc (09022015). Collection method: clinical testing. Allele origin: germline.

Blueprint Genetics
Classification: Likely benign. Last evaluated: 2021-07-08. Review status: criteria provided, single submitter. Criteria: ACMG Guidelines, 2015. Collection method: clinical testing. Allele origin: germline.

PreventionGenetics, part of Exact Sciences
Classification: Likely benign for CNGA3-related condition. Last evaluated: 2019-09-03. Review status: no assertion criteria provided. Collection method: clinical testing. Allele origin: germline. Not counted in ClinVar's aggregate classification.
Comment: This variant is classified as likely benign based on ACMG/AMP sequence variant interpretation guidelines (Richards et al. 2015 PMID: 25741868, with internal and published modifications).